The following is an entry in ClinVar:

ClinVar aggregate classification (germline): Uncertain significance (1 of 4 stars; one submission).

Allele frequency attached by ClinVar (database versions not stated): gnomAD exomes 0.00001.
gnomAD v4.1: 7 of 1,576,466 alleles (0.00044%); highest among the groups gnomAD compares: Non-Finnish European, 0.0006%; no homozygotes.

Submission:

Labcorp Genetics (formerly Invitae), Labcorp
Classification: Uncertain significance. Last evaluated: 2021-03-25. Review status: criteria provided, single submitter. Criteria: Invitae Variant Classification Sherloc (09022015). Collection method: clinical testing. Allele origin: germline.
Comment: This sequence change replaces proline with leucine at codon 421 of the EXOSC9 protein (p.Pro421Leu). The proline residue is highly conserved and there is a moderate physicochemical difference between proline and leucine. This variant is not present in population databases (ExAC no frequency). This variant has not been reported in the literature in individuals with EXOSC9-related conditions. Algorithms developed to predict the effect of missense changes on protein structure and function are either unavailable or do not agree on the potential impact of this missense change (SIFT: "Deleterious"; PolyPhen-2: "Probably Damaging"; Align-GVGD: "Class C0"). In summary, the available evidence is currently insufficient to determine the role of this variant in disease. Therefore, it has been classified as a Variant of Uncertain Significance.

NM_005033.3(EXOSC9):c.1211C>T (p.Pro404Leu)

Gene: EXOSC9 (exosome component 9; plus strand). Cytogenetic location: 4q27.
Variant type: single nucleotide variant.
Coding change: c.1211C>T on transcript NM_005033.3 (MANE Select); coding-DNA position 1211, C replaced by T.
Protein change: p.Pro404Leu; replaces proline 404 with leucine.
Molecular consequence: missense variant.
Genome position (GRCh38, 1-based): chr4:121,816,423, C>T. VCF-style: chr4-121816423-C-T. GRCh37 (hg19) VCF-style: chr4-122737578-C-T.
Other names: c.1262C>T, p.Pro421Leu (NM_001034194.2); short protein forms P404L, P421L.
Identifiers: ClinVar variation 1358225 (VCV001358225.8), dbSNP rs1380817225, ClinGen allele CA358047072.